The following is an entry in ClinVar:

ClinVar aggregate classification (germline): Uncertain significance (1 of 4 stars; one submission).

Conditions:
Hereditary cancer-predisposing syndrome. Also called: Tumor predisposition; Neoplastic Syndromes, Hereditary; Hereditary Cancer Syndrome; Hereditary neoplastic syndrome. Identifiers: Orphanet 140162, MedGen C0027672, MeSH D009386, MONDO:0015356.

Submission:

Ambry Genetics
Classification: Uncertain significance for Hereditary cancer-predisposing syndrome. Last evaluated: 2024-11-12. Review status: criteria provided, single submitter. Criteria: Ambry Variant Classification Scheme 2023. Collection method: clinical testing. Allele origin: germline.
Comment: The p.Y1710D variant (also known as c.5128T>G), located in coding exon 10 of the BRCA2 gene, results from a T to G substitution at nucleotide position 5128. The tyrosine at codon 1710 is replaced by aspartic acid, an amino acid with highly dissimilar properties. This alteration was identified in an individual diagnosed with breast cancer (Kim HN et al. Chonnam Med J, 2019 May;55:99-103). This amino acid position is poorly conserved in available vertebrate species. In addition, this alteration is predicted to be tolerated by in silico analysis. Based on the available evidence, the clinical significance of this variant remains unclear.

Literature cited by the submitters: PubMed 31161121.

NM_000059.4(BRCA2):c.5128T>G (p.Tyr1710Asp)

Gene: BRCA2 (BRCA2 DNA repair associated; plus strand). Cytogenetic location: 13q13.1.
Variant type: single nucleotide variant.
Coding change: c.5128T>G on transcript NM_000059.4 (MANE Select); coding-DNA position 5128, T replaced by G.
Protein change: p.Tyr1710Asp; replaces tyrosine 1710 with aspartic acid.
Molecular consequence: missense variant. On other transcripts: non-coding transcript variant (1), intron variant (2).
Genome position (GRCh38, 1-based): chr13:32,339,483, T>G. VCF-style: chr13-32339483-T-G. GRCh37 (hg19) VCF-style: chr13-32913620-T-G.
Other names: c.5128T>G, p.Tyr1710Asp (NM_001406719.1, NM_001406720.1, NM_001432077.1); c.1910-5075T>G (NM_001406721.1); c.425-5075T>G (NM_001406722.1); short protein forms Y1710D.
Identifiers: ClinVar variation 3482172 (VCV003482172.1).